The following is an entry in ClinVar:

NM_000388.4(CASR):c.1746T>G (p.Cys582Trp)

Gene: CASR (calcium sensing receptor; plus strand). Cytogenetic location: 3q21.1.
Variant type: single nucleotide variant.
Coding change: c.1746T>G on transcript NM_000388.4 (MANE Select); coding-DNA position 1746, T replaced by G.
Protein change: p.Cys582Trp; replaces cysteine 582 with tryptophan.
Molecular consequence: missense variant.
Genome position (GRCh38, 1-based): chr3:122,283,700, T>G. VCF-style: chr3-122283700-T-G. GRCh37 (hg19) VCF-style: chr3-122002547-T-G.
Other names: c.1776T>G, p.Cys592Trp (NM_001178065.2); short protein forms C582W, C592W.
Identifiers: ClinVar variation 4887171 (VCV004887171.1).

ClinVar aggregate classification (germline): Uncertain significance (1 of 4 stars; one submission).

Submission:

Women's Health and Genetics/Laboratory Corporation of America, LabCorp
Classification: Uncertain significance. Last evaluated: 2026-06-17. Review status: criteria provided, single submitter. Criteria: LabCorp Variant Classification Summary - May 2015. Collection method: clinical testing. Allele origin: germline.
Comment: Variant summary: CASR c.1746T>G (p.Cys582Trp) results in a non-conservative amino acid change in the encoded protein sequence. Algorithms developed to predict the effect of missense changes on protein structure and function all suggest that this variant is likely to be disruptive. The variant was absent in 251386 control chromosomes. To our knowledge, no occurrence of c.1746T>G in individuals affected with CASR-related conditions and no experimental evidence demonstrating its impact on protein function have been reported. Multiple variants located at the same codon (c.1745G>A, p.Cys582Tyr; c.1744T>A, p.Cys582Ser) have been classified as Pathogenic/Likely Pathogenic by our lab, supporting a critical relevance of this residue to CASR protein function. No submitters have cited clinical-significance assessments for this variant to ClinVar. Based on the evidence outlined above, the variant was classified as VUS-possibly pathogenic.